The following is an entry in ClinVar:

NM_006904.7(PRKDC):c.8720C>T (p.Ala2907Val)

Genes: PRKDC (protein kinase, DNA-activated, catalytic subunit; minus strand), LOC121740717 (Sharpr-MPRA regulatory region 7649; plus strand). Cytogenetic location: 8q11.21.
Variant type: single nucleotide variant.
Coding change: c.8720C>T on transcript NM_006904.7 (MANE Select); coding-DNA position 8720, C replaced by T.
Protein change: p.Ala2907Val; replaces alanine 2907 with valine.
Molecular consequence: missense variant.
Genome position (GRCh38, 1-based): chr8:47,826,719, G>A on the plus strand (C>T on the coding strand, the complement: PRKDC is on the minus strand). VCF-style: chr8-47826719-G-A. GRCh37 (hg19) VCF-style: chr8-48739280-G-A.
Other names: c.8720C>T, p.Ala2907Val (NM_001081640.2); short protein forms A2907V.
Identifiers: ClinVar variation 2564567 (VCV002564567.2), dbSNP rs2551866129, ClinGen allele CA371143649.

ClinVar aggregate classification (germline): Uncertain significance (1 of 4 stars; one submission).

Submission:

Ambry Genetics
Classification: Uncertain significance. Last evaluated: 2023-06-05. Review status: criteria provided, single submitter. Criteria: Ambry Variant Classification Scheme 2023. Collection method: clinical testing. Allele origin: germline.
Comment: The p.A2907V variant (also known as c.8720C>T), located in coding exon 63 of the PRKDC gene, results from a C to T substitution at nucleotide position 8720. The alanine at codon 2907 is replaced by valine, an amino acid with similar properties. This amino acid position is conserved. Since supporting evidence is limited at this time, the clinical significance of this alteration remains unclear.